The following is an entry in ClinVar:

ClinVar aggregate classification (germline): Conflicting classifications of pathogenicity. Review status: criteria provided, conflicting classifications (1 of 4 stars). 4 submissions from 4 submitters: Uncertain significance (3); Benign (1). Last evaluated 2025-06-10.

Conditions:
Hereditary cancer-predisposing syndrome. Also called: Tumor predisposition; Neoplastic Syndromes, Hereditary; Hereditary Cancer Syndrome; Hereditary neoplastic syndrome. Identifiers: Orphanet 140162, MedGen C0027672, MeSH D009386, MONDO:0015356.
Tuberous sclerosis syndrome (TSC). Also called: Tuberous Sclerosis Complex; Tuberous sclerosis. Identifiers: Orphanet 805, MedGen C0041341, MONDO:0001734.
Tuberous sclerosis 2 (TSC2). Identifiers: Orphanet 805, MedGen C1860707, MONDO:0013199, OMIM 613254.

Allele frequency attached by ClinVar (database versions not stated): gnomAD exomes below 0.00001.
gnomAD v4.1: 2 of 1,613,590 alleles (0.00012%); highest among the groups gnomAD compares: Non-Finnish European, 0.000085%; no homozygotes.

Submissions (4):

Ambry Genetics
Classification: Uncertain significance for Hereditary cancer-predisposing syndrome. Last evaluated: 2025-06-10. Review status: criteria provided, single submitter. Criteria: Ambry Variant Classification Scheme 2023. Collection method: clinical testing. Allele origin: germline.
Comment: The p.D635N variant (also known as c.1903G>A), located in coding exon 17 of the TSC2 gene, results from a G to A substitution at nucleotide position 1903. The aspartic acid at codon 635 is replaced by asparagine, an amino acid with highly similar properties. This amino acid position is highly conserved in available vertebrate species. In addition, the in silico prediction for this alteration is inconclusive. Based on the available evidence, the clinical significance of this variant remains unclear.

All of Us Research Program, National Institutes of Health
Classification: Uncertain significance for Tuberous sclerosis syndrome. Last evaluated: 2024-08-23. Review status: criteria provided, single submitter. Criteria: ACMG Guidelines, 2015. Collection method: clinical testing. Allele origin: germline. Inheritance: Autosomal dominant inheritance. Observed: 1 variant allele, 1 heterozygote.
Comment: This missense variant replaces aspartic acid with asparagine at codon 635 of the TSC2 protein. Computational prediction is inconclusive regarding the impact of this variant on protein structure and function (internally defined REVEL score threshold 0.5 < inconclusive < 0.7, PMID: 27666373). To our knowledge, functional studies have not been reported for this variant. This variant has not been reported in individuals affected with TSC2-related disorders in the literature. This variant has been identified in 1/250506 chromosomes in the general population by the Genome Aggregation Database (gnomAD). The available evidence is insufficient to determine the role of this variant in disease conclusively. Therefore, this variant is classified as a Variant of Uncertain Significance.

This study involves interpretation of variants in research participants for the purpose of population health screening. Participant phenotype was not available at the time of variant classification. Additional details can be found in publication PMID: 35346344, PMCID: PMC8962531

Labcorp Genetics (formerly Invitae), Labcorp
Classification: Benign for Tuberous sclerosis 2. Last evaluated: 2022-09-07. Review status: criteria provided, single submitter. Criteria: Invitae Variant Classification Sherloc (09022015). Collection method: clinical testing. Allele origin: germline.

Genome-Nilou Lab
Classification: Uncertain significance for Tuberous sclerosis 2. Last evaluated: 2021-11-07. Review status: criteria provided, single submitter. Criteria: ACMG Guidelines, 2015. Collection method: clinical testing. Allele origin: germline. Affected: no.

NM_000548.5(TSC2):c.1903G>A (p.Asp635Asn)

Gene: TSC2 (TSC complex subunit 2; plus strand). Cytogenetic location: 16p13.3.
Variant type: single nucleotide variant.
Coding change: c.1903G>A on transcript NM_000548.5 (MANE Select); coding-DNA position 1903, G replaced by A.
Protein change: p.Asp635Asn; replaces aspartic acid 635 with asparagine.
Molecular consequence: missense variant.
Genome position (GRCh38, 1-based): chr16:2,071,573, G>A. VCF-style: chr16-2071573-G-A. GRCh37 (hg19) VCF-style: chr16-2121574-G-A.
Other names: c.1903G>A, p.Asp635Asn (NM_001077183.3, NM_001114382.3, NM_001363528.2 and 3 more transcripts); c.1792G>A, p.Asp598Asn (NM_001318827.2); c.1756G>A, p.Asp586Asn (NM_001318829.2); c.1303G>A, p.Asp435Asn (NM_001318831.2); c.1936G>A, p.Asp646Asn (NM_001318832.2); short protein forms D635N, D435N, D586N, D646N, D598N.
Identifiers: ClinVar variation 406001 (VCV000406001.17), dbSNP rs1060500932, ClinGen allele CA16615059.